The following is an entry in ClinVar:

NM_001375567.1(FOCAD):c.3767T>C (p.Leu1256Pro)

Gene: FOCAD (focadhesin; plus strand). Cytogenetic location: 9p21.3.
Variant type: single nucleotide variant.
Coding change: c.3767T>C on transcript NM_001375567.1 (MANE Select); coding-DNA position 3767, T replaced by C.
Protein change: p.Leu1256Pro; replaces leucine 1256 with proline.
Molecular consequence: missense variant.
Genome position (GRCh38, 1-based): chr9:20,948,362, T>C. VCF-style: chr9-20948362-T-C. GRCh37 (hg19) VCF-style: chr9-20948361-T-C.
Other names: c.3662T>C, p.Leu1221Pro (NM_001375568.1, NM_001375570.1); c.3767T>C, p.Leu1256Pro (NM_017794.5); short protein forms L1221P, L1256P.
Identifiers: ClinVar variation 3646704 (VCV003646704.2).

ClinVar aggregate classification (germline): Uncertain significance (1 of 4 stars; one submission).

gnomAD v4.1: 3 of 1,612,560 alleles (0.00019%); highest among the groups gnomAD compares: Non-Finnish European, 0.00025%; no homozygotes.

Submission:

Labcorp Genetics (formerly Invitae), Labcorp
Classification: Uncertain significance. Last evaluated: 2024-03-19. Review status: criteria provided, single submitter. Criteria: Invitae Variant Classification Sherloc (09022015). Collection method: clinical testing. Allele origin: germline.
Comment: This sequence change replaces leucine, which is neutral and non-polar, with proline, which is neutral and non-polar, at codon 1256 of the FOCAD protein (p.Leu1256Pro). This variant is present in population databases (rs552496171, gnomAD 0.002%). This variant has not been reported in the literature in individuals affected with FOCAD-related conditions. Experimental studies and prediction algorithms are not available or were not evaluated, and the functional significance of this variant is currently unknown. In summary, the available evidence is currently insufficient to determine the role of this variant in disease. Therefore, it has been classified as a Variant of Uncertain Significance.